The following is an entry in ClinVar:

NM_054012.4(ASS1):c.286C>A (p.Pro96Thr)

Gene: ASS1 (argininosuccinate synthase 1; plus strand). Cytogenetic location: 9q34.11.
Variant type: single nucleotide variant.
Coding change: c.286C>A on transcript NM_054012.4 (MANE Select); coding-DNA position 286, C replaced by A.
Protein change: p.Pro96Thr; replaces proline 96 with threonine.
Molecular consequence: missense variant.
Genome position (GRCh38, 1-based): chr9:130,458,512, C>A. VCF-style: chr9-130458512-C-A. GRCh37 (hg19) VCF-style: chr9-133333899-C-A.
Other names: p.(Pro96Thr); c.286C>A, p.Pro96Thr (NM_000050.4); short protein forms P96T.
Identifiers: ClinVar variation 1332899 (VCV001332899.11), dbSNP rs2131874080, ClinGen allele CA375225210.

ClinVar aggregate classification (germline): Likely pathogenic. Review status: criteria provided, multiple submitters, no conflicts (2 of 4 stars). 4 submissions from 4 submitters: Likely pathogenic (4). Last evaluated 2026-03-10.

Conditions:
Citrullinemia type I (CTNL1). Also called: ASS DEFICIENCY; argininosuccinate synthetase deficiency. Identifiers: Orphanet 247525, MedGen C4721769, MONDO:0008988, OMIM 215700.
Citrullinemia. Identifiers: Orphanet 187, MedGen C0175683, MONDO:0015991.

gnomAD v4.1: 1 of 1,613,092 alleles (0.000062%); no homozygotes.

Submissions (4):

Department of Molecular Genetics, Istishari Arab Hospital
Classification: Likely pathogenic for Citrullinemia type I. Last evaluated: 2026-03-10. Review status: criteria provided, single submitter. Criteria: ACMG Guidelines, 2015. Collection method: clinical testing. Allele origin: germline. Inheritance: Autosomal recessive inheritance. Affected: yes.
Comment: The ASS1 variant c.286C>A p.(Pro96Thr) causes an amino acid change from Pro to Thr at position 96 in exon(s) no. 5 (of 16). According to HGMD Professional 2024.1, this variant has previously been described as disease-causing for Citrullinaemia (PMID:33190319, 36680390). It is classified as likely pathogenic based on the implementation of the ACMG guidelines.

Labcorp Genetics (formerly Invitae), Labcorp
Classification: Likely pathogenic for Citrullinemia. Last evaluated: 2023-10-04. Review status: criteria provided, single submitter. Criteria: Invitae Variant Classification Sherloc (09022015). Collection method: clinical testing. Allele origin: germline.
Comment: This sequence change replaces proline, which is neutral and non-polar, with threonine, which is neutral and polar, at codon 96 of the ASS1 protein (p.Pro96Thr). This variant is not present in population databases (gnomAD no frequency). This missense change has been observed in individual(s) with citrullinemia (PMID: 33190319, 36680390). ClinVar contains an entry for this variant (Variation ID: 1332899). Advanced modeling of protein sequence and biophysical properties (such as structural, functional, and spatial information, amino acid conservation, physicochemical variation, residue mobility, and thermodynamic stability) performed at Invitae indicates that this missense variant is expected to disrupt ASS1 protein function. This variant disrupts the p.Pro96 amino acid residue in ASS1. Other variant(s) that disrupt this residue have been determined to be pathogenic (PMID: 21227727). This suggests that this residue is clinically significant, and that variants that disrupt this residue are likely to be disease-causing. In summary, the currently available evidence indicates that the variant is pathogenic, but additional data are needed to prove that conclusively. Therefore, this variant has been classified as Likely Pathogenic.

Revvity Omics, Revvity
Classification: Likely pathogenic for Citrullinemia type I. Last evaluated: 2023-02-28. Review status: criteria provided, single submitter. Criteria: ACMG Guidelines, 2015. Collection method: clinical testing. Allele origin: germline.

Centre of Medical Genetics, University Hospital Muenster
Classification: Likely pathogenic. Last evaluated: 2021-12-04. Review status: criteria provided, single submitter. Criteria: ACMG Guidelines, 2015. Collection method: clinical testing. Allele origin: unknown. Affected: yes. Observed: 1 variant allele, 1 heterozygote.
Comment: ACMG categories: PM1,PM2,PM3,PP4

Literature cited by the submitters: PubMed 33190319 (cited by Department of Molecular Genetics, Istishari Arab Hospital and Labcorp Genetics (formerly Invitae), Labcorp); PubMed 36680390 (cited by Department of Molecular Genetics, Istishari Arab Hospital and Labcorp Genetics (formerly Invitae), Labcorp); PubMed 21227727 (cited by Labcorp Genetics (formerly Invitae), Labcorp).